The following is an entry in ClinVar:

ClinVar aggregate classification (germline): Uncertain significance (1 of 4 stars; one submission).

Conditions:
Hypertrophic cardiomyopathy. Also called: HYPERTROPHIC MYOCARDIOPATHY. Identifiers: Orphanet 217569, MedGen C0007194, MeSH D002312, MONDO:0005045, HP:0001639.

Submission:

Labcorp Genetics (formerly Invitae), Labcorp
Classification: Uncertain significance for Hypertrophic cardiomyopathy. Last evaluated: 2023-05-04. Review status: criteria provided, single submitter. Criteria: Invitae Variant Classification Sherloc (09022015). Collection method: clinical testing. Allele origin: germline.
Comment: In summary, the available evidence is currently insufficient to determine the role of this variant in disease. Therefore, it has been classified as a Variant of Uncertain Significance. Variants that disrupt the consensus splice site are a relatively common cause of aberrant splicing (PMID: 17576681, 9536098). An algorithm developed to predict the effect of missense changes on protein structure and function (PolyPhen-2) suggests that this variant is likely to be disruptive. This variant has not been reported in the literature in individuals affected with MYBPC3-related conditions. This variant is not present in population databases (gnomAD no frequency). This sequence change replaces glutamic acid, which is acidic and polar, with lysine, which is basic and polar, at codon 643 of the MYBPC3 protein (p.Glu643Lys). This variant also falls at the last nucleotide of exon 20, which is part of the consensus splice site for this exon.

Literature cited by the submitters: PubMed 17576681; PubMed 9536098.

NM_000256.3(MYBPC3):c.1927G>A (p.Glu643Lys)

Gene: MYBPC3 (myosin binding protein C3; minus strand). Cytogenetic location: 11p11.2.
Variant type: single nucleotide variant.
Coding change: c.1927G>A on transcript NM_000256.3 (MANE Select); coding-DNA position 1927, G replaced by A.
Protein change: p.Glu643Lys; replaces glutamic acid 643 with lysine.
Molecular consequence: missense variant.
Genome position (GRCh38, 1-based): chr11:47,341,003, C>T on the plus strand (G>A on the coding strand, the complement: MYBPC3 is on the minus strand). VCF-style: chr11-47341003-C-T. GRCh37 (hg19) VCF-style: chr11-47362554-C-T.
Other names: short protein forms E643K.
Identifiers: ClinVar variation 3006996 (VCV003006996.3), dbSNP rs1555121871, ClinGen allele CA380323217.
Genomic context (GRCh38, chr11:47,341,003, plus strand): 5'-CTGCGTGGGTGGGTTGCGGGAAAGTGAGCAGAACCAAGACTCAGGGGCCCCAAGACTTAC[C>T]CTGCCTGGGTACGAAGTCAATCTTGACCTCTGCAAGAGAAGGAAGAGCAAGTAGCACGGG-3'
Protein context (NP_000247.2, residues 633-653): EVKIDFVPRQ[Glu643Lys]PPKIHLDCPG